The following is an entry in ClinVar:

NM_015466.4(PTPN23):c.188_199dup (p.Glu63_Ser66dup)

Gene: PTPN23 (protein tyrosine phosphatase non-receptor type 23; plus strand). Cytogenetic location: 3p21.31.
Variant type: Duplication.
Coding change: c.188_199dup on transcript NM_015466.4 (MANE Select); coding-DNA positions 188 to 199, 12 bases duplicated (AGGGCTGTAGTG).
Protein change: p.Glu63_Ser66dup.
Molecular consequence: inframe insertion. On other transcripts: intron variant (1).
Genome position (GRCh38, 1-based): chr3:47,404,680-47,404,691, AGGGCTGTAGTG duplicated; duplicating any 12 consecutive bases within chr3:47,404,678-47,404,691 gives the same sequence; the c. name uses the placement nearest the transcript's 3' end. VCF-style (leftmost placement, unchanged base first): chr3-47404677-T-TTGAGGGCTGTAG. GRCh37 (hg19) VCF-style: chr3-47446167-T-TTGAGGGCTGTAG.
Other names: c.-91-325_-91-314dup (NM_001304482.2).
Identifiers: ClinVar variation 1469312 (VCV001469312.8), dbSNP rs2107713025, ClinGen allele CA2573137165.
Genomic context (GRCh38, chr3:47,404,677, plus strand): 5'-GACAACAGGCCTGCTTCTCCCATCCTGCCCCCCAGAATGCTGTCCGTGTCCCACGAGACT[T>TTGAGGGCTGTAG]TGAGGGCTGTAGTGTCCTCCGCAAGTACCTCGGCCAGCTTCATTACCTGCAGAGTCGGGT-3'

ClinVar aggregate classification (germline): Uncertain significance (1 of 4 stars; one submission).

Submission:

Labcorp Genetics (formerly Invitae), Labcorp
Classification: Uncertain significance. Last evaluated: 2022-03-02. Review status: criteria provided, single submitter. Criteria: Invitae Variant Classification Sherloc (09022015). Collection method: clinical testing. Allele origin: germline.
Comment: In summary, the available evidence is currently insufficient to determine the role of this variant in disease. Therefore, it has been classified as a Variant of Uncertain Significance. Experimental studies and prediction algorithms are not available or were not evaluated, and the functional significance of this variant is currently unknown. This variant has not been reported in the literature in individuals affected with PTPN23-related conditions. This variant is not present in population databases (gnomAD no frequency). This variant, c.188_199dup, results in the insertion of 4 amino acid(s) of the PTPN23 protein (p.Glu63_Ser66dup), but otherwise preserves the integrity of the reading frame.